The following is an entry in ClinVar:

ClinVar aggregate classification (germline): Uncertain significance (1 of 4 stars; one submission).

Conditions:
Bethlem myopathy 1A. Also called: Bethlem myopathy 1; Bethlem Muscular Dystrophy; MYOPATHY, BENIGN CONGENITAL, WITH CONTRACTURES. Identifiers: Orphanet 610, MedGen CN029274, MONDO:0024530, OMIM 158810.

gnomAD v4.1: 1 of 1,614,166 alleles (0.000062%); highest among the groups gnomAD compares: Non-Finnish European, 0.000085%; no homozygotes.

Submission:

Labcorp Genetics (formerly Invitae), Labcorp
Classification: Uncertain significance for Bethlem myopathy 1A. Last evaluated: 2025-02-27. Review status: criteria provided, single submitter. Criteria: Invitae Variant Classification Sherloc (09022015). Collection method: clinical testing. Allele origin: germline.
Comment: This sequence change replaces lysine, which is basic and polar, with asparagine, which is neutral and polar, at codon 1001 of the COL6A3 protein (p.Lys1001Asn). This variant is not present in population databases (gnomAD no frequency). This variant has not been reported in the literature in individuals affected with COL6A3-related conditions. Invitae Evidence Modeling of protein sequence and biophysical properties (such as structural, functional, and spatial information, amino acid conservation, physicochemical variation, residue mobility, and thermodynamic stability) indicates that this missense variant is not expected to disrupt COL6A3 protein function with a negative predictive value of 80%. In summary, the available evidence is currently insufficient to determine the role of this variant in disease. Therefore, it has been classified as a Variant of Uncertain Significance.

NM_004369.4(COL6A3):c.3003G>T (p.Lys1001Asn)

Gene: COL6A3 (collagen type VI alpha 3 chain; minus strand). Cytogenetic location: 2q37.3.
Variant type: single nucleotide variant.
Coding change: c.3003G>T on transcript NM_004369.4 (MANE Select); coding-DNA position 3003, G replaced by T.
Protein change: p.Lys1001Asn; replaces lysine 1001 with asparagine.
Molecular consequence: missense variant.
Genome position (GRCh38, 1-based): chr2:237,376,839, C>A on the plus strand (G>T on the coding strand, the complement: COL6A3 is on the minus strand). VCF-style: chr2-237376839-C-A. GRCh37 (hg19) VCF-style: chr2-238285482-C-A.
Other names: c.1782G>T, p.Lys594Asn (NM_057164.5); c.2385G>T, p.Lys795Asn (NM_057165.5, NM_057167.4); c.1182G>T, p.Lys394Asn (NM_057166.5); short protein forms K594N, K394N, K795N, K1001N.
Identifiers: ClinVar variation 4781536 (VCV004781536.1).